The following is an entry in ClinVar:

ClinVar aggregate classification (germline): Uncertain significance (1 of 4 stars; one submission).

Conditions:
Myoclonic dystonia 26. Identifiers: MedGen C4225341, MONDO:0014620, OMIM 616398.

Allele frequency attached by ClinVar (database versions not stated): gnomAD exomes 0.00002; ExAC 0.00007; gnomAD 0.00008; TOPMed 0.00012; ESP Exome Variant Server 0.00023.
gnomAD v4.1: 42 of 1,608,734 alleles (0.0026%); highest among the groups gnomAD compares: Admixed American, 0.017%; no homozygotes.

Submission:

Labcorp Genetics (formerly Invitae), Labcorp
Classification: Uncertain significance for Myoclonic dystonia 26. Last evaluated: 2025-11-19. Review status: criteria provided, single submitter. Criteria: Invitae Variant Classification Sherloc (09022015). Collection method: clinical testing. Allele origin: germline.
Comment: This sequence change falls in intron 4 of the KCTD17 gene. It does not directly change the encoded amino acid sequence of the KCTD17 protein. It affects a nucleotide within the consensus splice site. This variant is present in population databases (rs374873176, gnomAD 0.02%). This variant has not been reported in the literature in individuals affected with KCTD17-related conditions. ClinVar contains an entry for this variant (Variation ID: 2713279). Variants that disrupt the consensus splice site are a relatively common cause of aberrant splicing (PMID: 17576681, 9536098). Algorithms developed to predict the effect of sequence changes on RNA splicing suggest that this variant is not likely to affect RNA splicing. In summary, the available evidence is currently insufficient to determine the role of this variant in disease. Therefore, it has been classified as a Variant of Uncertain Significance.

Literature cited by the submitters: PubMed 17576681; PubMed 9536098.

NM_001282684.2(KCTD17):c.486+4C>T

Gene: KCTD17 (potassium channel tetramerization domain containing 17; plus strand). Cytogenetic location: 22q12.3.
Variant type: single nucleotide variant.
Coding change: c.486+4C>T on transcript NM_001282684.2 (MANE Select); 4 bases into the intron after coding-DNA position 486, C replaced by T.
Molecular consequence: intron variant.
Genome position (GRCh38, 1-based): chr22:37,057,497, C>T. VCF-style: chr22-37057497-C-T. GRCh37 (hg19) VCF-style: chr22-37453537-C-T.
Other names: c.486+4C>T (NM_001282685.2, NM_001282686.2, NM_024681.4).
Identifiers: ClinVar variation 2713279 (VCV002713279.3), dbSNP rs374873176, ClinGen allele CA10215042.